The following is an entry in ClinVar:

ClinVar aggregate classification (germline): Uncertain significance (1 of 4 stars; one submission).

Conditions:
Hereditary cancer-predisposing syndrome. Also called: Neoplastic Syndromes, Hereditary; Tumor predisposition; Hereditary Cancer Syndrome; Hereditary neoplastic syndrome. Identifiers: Orphanet 140162, MedGen C0027672, MeSH D009386, MONDO:0015356.

Submission:

Ambry Genetics
Classification: Uncertain significance for Hereditary cancer-predisposing syndrome. Last evaluated: 2026-04-09. Review status: criteria provided, single submitter. Criteria: Ambry Variant Classification Scheme 2023. Collection method: clinical testing. Allele origin: germline.
Comment: The p.P609L variant (also known as c.1826C>T), located in coding exon 11 of the NBN gene, results from a C to T substitution at nucleotide position 1826. The proline at codon 609 is replaced by leucine, an amino acid with similar properties. This amino acid position is conserved. In addition, this alteration is predicted to be tolerated by in silico analysis. Based on the available evidence, the clinical significance of this variant remains unclear.

NM_002485.5(NBN):c.1826C>T (p.Pro609Leu)

Gene: NBN (nibrin; minus strand). Cytogenetic location: 8q21.3.
Variant type: single nucleotide variant.
Coding change: c.1826C>T on transcript NM_002485.5 (MANE Select); coding-DNA position 1826, C replaced by T.
Protein change: p.Pro609Leu; replaces proline 609 with leucine.
Molecular consequence: missense variant.
Genome position (GRCh38, 1-based): chr8:89,953,263, G>A on the plus strand (C>T on the coding strand, the complement: NBN is on the minus strand). VCF-style: chr8-89953263-G-A. GRCh37 (hg19) VCF-style: chr8-90965491-G-A.
Other names: c.1580C>T, p.Pro527Leu (NM_001024688.3); short protein forms P609L, P527L.
Identifiers: ClinVar variation 4860756 (VCV004860756.1), dbSNP rs773678006.